The following is an entry in ClinVar:

NM_015294.6(TRIM37):c.1090_1099del (p.Ala364fs)

Gene: TRIM37 (tripartite motif containing 37; minus strand). Cytogenetic location: 17q22.
Variant type: Deletion.
Coding change: c.1090_1099del on transcript NM_015294.6 (MANE Select); coding-DNA positions 1090 to 1099, 10 bases deleted (GCATCTGACT; older notation c.1090_1099delGCATCTGACT).
Protein change: p.Ala364fs; shifts the reading frame from alanine 364.
Molecular consequence: frameshift variant. On other transcripts: non-coding transcript variant (2).
Genome position (GRCh38, 1-based): chr17:59,056,975-59,056,984, AGTCAGATGC deleted on the plus strand (GCATCTGACT on the coding strand, the reverse complement: TRIM37 is on the minus strand); deleting any 10 consecutive bases within chr17:59,056,975-59,056,985 gives the same sequence; the c. name uses the placement nearest the transcript's 3' end. VCF-style (leftmost placement, unchanged base first): chr17-59056974-AAGTCAGATGC-A. GRCh37 (hg19) VCF-style: chr17-57134335-AAGTCAGATGC-A.
Other names: c.1090_1099del, p.Ala364fs (NM_001005207.5, NM_001320988.3, NM_001320989.3 and 1 more transcripts); c.988_997del, p.Ala330fs (NM_001320987.3, NM_001353082.2); c.724_733del, p.Ala242fs (NM_001320990.3); c.355_364del, p.Ala119fs (NM_001353083.2); c.628_637del, p.Ala210fs (NM_001353085.2); c.1039_1048del, p.Ala347fs (NM_001353086.2); short protein forms A119fs, A210fs, A242fs, A330fs, A347fs, A364fs.
Identifiers: ClinVar variation 4884806 (VCV004884806.1).

ClinVar aggregate classification (germline): Pathogenic (0 of 4 stars; one submission).

Conditions:
Mulibrey nanism syndrome. Also called: MUSCLE-LIVER-BRAIN-EYE NANISM; PERHEENTUPA SYNDROME; PERICARDIAL CONSTRICTION AND GROWTH FAILURE. Identifiers: Orphanet 2576, MedGen C0524582, MONDO:0009664, OMIM 253250.

Submission:

Hong-Tao Li Lab, Institute of Brain Science and Brain-inspired Research, Shandong First Medical University & Shandong Academy of Medical Sciences China
Classification: Pathogenic for Mulibrey nanism syndrome. Review status: no assertion criteria provided. Collection method: research. Allele origin: germline. Inheritance: Autosomal recessive inheritance. Affected: yes. Observed: 1 variant allele, 1 homozygote.
Comment: Observed in affected individuals from a Pakistani neurodevelopmental-disorder research cohort of 263 individuals. Classification assigned using the ACMG/AMP framework.